The following is an entry in ClinVar:

ClinVar aggregate classification (germline): Benign/Likely benign. Review status: criteria provided, multiple submitters, no conflicts (2 of 4 stars). 8 submissions from 8 submitters: Benign (2); Likely benign (4). 2 of the submissions do not count toward it. Last evaluated 2026-06-01.

Conditions:
TRIM63-related disorder. Also called: TRIM63-related condition.

Allele frequency attached by ClinVar (database versions not stated): ExAC 0.00101; gnomAD exomes 0.00117 and 0.00214; 1000 Genomes Project 0.00120; 1000 Genomes Project 30x 0.00141; gnomAD 0.00151 and 0.00154; TOPMed 0.00152; ESP Exome Variant Server 0.00185.

Submissions (8):

CeGaT Center for Human Genetics Tuebingen
Classification: Likely benign. Last evaluated: 2026-06-01. Review status: criteria provided, single submitter. Criteria: CeGaT Center For Human Genetics Tuebingen Variant Classification Criteria Version 2. Collection method: clinical testing. Allele origin: germline. Affected: yes. Observed: 8 variant alleles.
Comment: TRIM63: BP4, BP7

PreventionGenetics, part of Exact Sciences
Classification: Likely benign for TRIM63-related condition. Last evaluated: 2025-11-05. Review status: criteria provided, single submitter. Criteria: ACMG Guidelines, 2015. Collection method: clinical testing. Allele origin: germline.
Comment: This variant is classified as likely benign based on ACMG/AMP sequence variant interpretation guidelines (Richards et al. 2015 PMID: 25741868, with internal and published modifications).

Molecular Diagnostic Laboratory for Inherited Cardiovascular Disease, Montreal Heart Institute
Classification: Benign. Last evaluated: 2025-04-09. Review status: criteria provided, single submitter. Criteria: ACMG Guidelines, 2015. Collection method: clinical testing. Allele origin: germline. Affected: no.

Mayo Clinic Laboratories, Mayo Clinic
Classification: Benign. Last evaluated: 2024-06-11. Review status: criteria provided, single submitter. Criteria: ACMG Guidelines, 2015. Collection method: clinical testing. Allele origin: germline. Observed: 7 variant alleles.
Comment: BS1, BS2, BP4, BP7

Women's Health and Genetics/Laboratory Corporation of America, LabCorp
Classification: Likely benign. Last evaluated: 2023-04-17. Review status: criteria provided, single submitter. Criteria: LabCorp Variant Classification Summary - May 2015. Collection method: clinical testing. Allele origin: germline.

Labcorp Genetics (formerly Invitae), Labcorp
Classification: Likely benign. Last evaluated: 2018-11-14. Review status: criteria provided, single submitter. Criteria: Invitae Variant Classification Sherloc (09022015). Collection method: clinical testing. Allele origin: germline.

Clinical Genetics DNA and cytogenetics Diagnostics Lab, Erasmus MC, Erasmus Medical Center
Classification: Likely benign. Review status: no assertion criteria provided. Collection method: clinical testing. Allele origin: germline. Affected: yes. Study: VKGL Data-share Consensus. Not counted in ClinVar's aggregate classification.

Genome Diagnostics Laboratory, University Medical Center Utrecht
Classification: Likely benign. Review status: no assertion criteria provided. Collection method: clinical testing. Allele origin: germline. Affected: yes. Study: VKGL Data-share Consensus. Not counted in ClinVar's aggregate classification.

NM_032588.4(TRIM63):c.375C>T (p.His125=)

Gene: TRIM63 (tripartite motif containing 63; minus strand). Cytogenetic location: 1p36.11.
Variant type: single nucleotide variant.
Coding change: c.375C>T on transcript NM_032588.4 (MANE Select); coding-DNA position 375, C replaced by T.
Protein change: p.His125=; no amino-acid change (histidine 125 retained).
Molecular consequence: synonymous variant.
Genome position (GRCh38, 1-based): chr1:26,061,292, G>A on the plus strand (C>T on the coding strand, the complement: TRIM63 is on the minus strand). VCF-style: chr1-26061292-G-A. GRCh37 (hg19) VCF-style: chr1-26387783-G-A.
Other names: p.His125=.
Identifiers: ClinVar variation 703809 (VCV000703809.33), dbSNP rs144196126, ClinGen allele CA699686.